The following is an entry in ClinVar:

NM_145059.3(FCSK):c.2192T>G (p.Leu731Arg)

Gene: FCSK (fucose kinase; plus strand). Cytogenetic location: 16q22.1.
Variant type: single nucleotide variant.
Coding change: c.2192T>G on transcript NM_145059.3 (MANE Select); coding-DNA position 2192, T replaced by G.
Protein change: p.Leu731Arg; replaces leucine 731 with arginine.
Molecular consequence: missense variant.
Genome position (GRCh38, 1-based): chr16:70,474,826, T>G. VCF-style: chr16-70474826-T-G. GRCh37 (hg19) VCF-style: chr16-70508729-T-G.
Other names: c.2192T>G (NM_145059.2); short protein forms L731R.
Identifiers: ClinVar variation 1682389 (VCV001682389.9), dbSNP rs1307872831, ClinGen allele CA396572751.

ClinVar aggregate classification (germline): Uncertain significance. Review status: criteria provided, multiple submitters, no conflicts (2 of 4 stars). 2 submissions from 2 submitters: Uncertain significance (2). Last evaluated 2025-12-02.

Allele frequency attached by ClinVar (database versions not stated): TOPMed below 0.00001; gnomAD 0.00001; gnomAD exomes 0.00001.
gnomAD v4.1: 20 of 1,590,990 alleles (0.0013%); highest among the groups gnomAD compares: South Asian, 0.0023%; no homozygotes.

Submissions (2):

Ambry Genetics
Classification: Uncertain significance. Last evaluated: 2025-12-02. Review status: criteria provided, single submitter. Criteria: Ambry Variant Classification Scheme 2023. Collection method: clinical testing. Allele origin: germline.

Labcorp Genetics (formerly Invitae), Labcorp
Classification: Uncertain significance. Last evaluated: 2022-08-15. Review status: criteria provided, single submitter. Criteria: Invitae Variant Classification Sherloc (09022015). Collection method: clinical testing. Allele origin: germline.
Comment: In summary, the available evidence is currently insufficient to determine the role of this variant in disease. Therefore, it has been classified as a Variant of Uncertain Significance. Algorithms developed to predict the effect of missense changes on protein structure and function are either unavailable or do not agree on the potential impact of this missense change (SIFT: "Deleterious"; PolyPhen-2: "Benign"; Align-GVGD: "Class C0"). ClinVar contains an entry for this variant (Variation ID: 1682389). This variant has not been reported in the literature in individuals affected with FUK-related conditions. This variant is present in population databases (no rsID available, gnomAD 0.004%). This sequence change replaces leucine, which is neutral and non-polar, with arginine, which is basic and polar, at codon 731 of the FUK protein (p.Leu731Arg).